The following is an entry in ClinVar:

NM_003025.4(SH3GL1):c.456G>A (p.Lys152=)

Gene: SH3GL1 (SH3 domain containing GRB2 like 1, endophilin A2; minus strand). Cytogenetic location: 19p13.3.
Variant type: single nucleotide variant.
Coding change: c.456G>A on transcript NM_003025.4 (MANE Select); coding-DNA position 456, G replaced by A.
Protein change: p.Lys152=; no amino-acid change (lysine 152 retained).
Molecular consequence: synonymous variant.
Genome position (GRCh38, 1-based): chr19:4,364,097, C>T on the plus strand (G>A on the coding strand, the complement: SH3GL1 is on the minus strand). VCF-style: chr19-4364097-C-T. GRCh37 (hg19) VCF-style: chr19-4364094-C-T.
Other names: c.312G>A, p.Lys104= (NM_001199943.2); c.264G>A, p.Lys88= (NM_001199944.2).
Identifiers: ClinVar variation 3771356 (VCV003771356.13).

ClinVar aggregate classification (germline): Uncertain significance (1 of 4 stars; one submission).

gnomAD v4.1: 13 of 1,612,630 alleles (0.00081%); highest among the groups gnomAD compares: South Asian, 0.014%; no homozygotes.

Submission:

CeGaT Center for Human Genetics Tuebingen
Classification: Uncertain significance. Last evaluated: 2025-02-01. Review status: criteria provided, single submitter. Criteria: CeGaT Center For Human Genetics Tuebingen Variant Classification Criteria Version 2. Collection method: clinical testing. Allele origin: germline. Affected: yes. Observed: 1 variant allele.
Comment: SH3GL1: PM2, BP4